The following is an entry in ClinVar:

NM_152701.5(ABCA13):c.1150G>A (p.Glu384Lys)

Gene: ABCA13 (ATP binding cassette subfamily A member 13; plus strand). Cytogenetic location: 7p12.3.
Variant type: single nucleotide variant.
Coding change: c.1150G>A on transcript NM_152701.5 (MANE Select); coding-DNA position 1150, G replaced by A.
Protein change: p.Glu384Lys; replaces glutamic acid 384 with lysine.
Molecular consequence: missense variant.
Genome position (GRCh38, 1-based): chr7:48,240,954, G>A. VCF-style: chr7-48240954-G-A. GRCh37 (hg19) VCF-style: chr7-48280551-G-A.
Other names: short protein forms E384K.
Identifiers: ClinVar variation 3047587 (VCV003047587.2), dbSNP rs148827015, ClinGen allele CA4256345.

ClinVar aggregate classification (germline): Likely benign (0 of 4 stars; one submission).

Conditions:
ABCA13-related disorder. Also called: ABCA13-related condition.

Allele frequency attached by ClinVar (database versions not stated): gnomAD exomes 0.00003; ESP Exome Variant Server 0.00008; ExAC 0.00011; gnomAD 0.00035; TOPMed 0.00040; 1000 Genomes Project 0.00060; 1000 Genomes Project 30x 0.00109.
gnomAD v4.1: 96 of 1,613,744 alleles (0.0059%); highest among the groups gnomAD compares: African/African-American, 0.12%; no homozygotes.

Submission:

PreventionGenetics, part of Exact Sciences
Classification: Likely benign for ABCA13-related condition. Last evaluated: 2023-04-24. Review status: no assertion criteria provided. Collection method: clinical testing. Allele origin: germline.
Comment: This variant is classified as likely benign based on ACMG/AMP sequence variant interpretation guidelines (Richards et al. 2015 PMID: 25741868, with internal and published modifications).